The following is an entry in ClinVar:

NM_001379659.1(ZNF142):c.5064C>T (p.Ala1688=)

Gene: ZNF142 (zinc finger protein 142; minus strand). Cytogenetic location: 2q35.
Variant type: single nucleotide variant.
Coding change: c.5064C>T on transcript NM_001379659.1 (MANE Select); coding-DNA position 5064, C replaced by T.
Protein change: p.Ala1688=; no amino-acid change (alanine 1688 retained).
Molecular consequence: synonymous variant.
Genome position (GRCh38, 1-based): chr2:218,642,052, G>A on the plus strand (C>T on the coding strand, the complement: ZNF142 is on the minus strand). VCF-style: chr2-218642052-G-A. GRCh37 (hg19) VCF-style: chr2-219506775-G-A.
Other names: c.4464C>T, p.Ala1488= (NM_001105537.5, NM_001366291.3, NM_001379662.1); c.3975C>T, p.Ala1325= (NM_001366287.3, NM_001366288.3, NM_001366289.3); c.5064C>T, p.Ala1688= (NM_001366290.3, NM_001379660.1, NM_001379661.1).
Identifiers: ClinVar variation 4281056 (VCV004281056.8).
Genomic context (GRCh38, chr2:218,642,052, plus strand): 5'-TCCTTCCACTTCCTGCCCCATATCCTCTGACATTACCTTGAGACGAGAGGGATCAGCACA[G>A]GCATAGGGGCAGAGGTGACAGTGGTAAGGCTTTTCCCCAGTGTGGATGCGGCTGTGCCAG-3'
Protein context (NP_001366588.1, residues 1678-1698): KPYHCHLCPY[Ala1688=]CADPSRLKYH

ClinVar aggregate classification (germline): Likely benign. Review status: criteria provided, multiple submitters, no conflicts (2 of 4 stars). 2 submissions from 2 submitters: Likely benign (2). Last evaluated 2025-09-01.

Submissions (2):

CeGaT Center for Human Genetics Tuebingen
Classification: Likely benign. Last evaluated: 2025-09-01. Review status: criteria provided, single submitter. Criteria: CeGaT Center For Human Genetics Tuebingen Variant Classification Criteria Version 2. Collection method: clinical testing. Allele origin: germline. Affected: yes. Observed: 1 variant allele.
Comment: ZNF142: BP4

Blueprint Genetics
Classification: Likely benign. Last evaluated: 2024-03-26. Review status: criteria provided, single submitter. Criteria: ACMG Guidelines, 2015. Collection method: clinical testing. Allele origin: germline.